The following is an entry in ClinVar:

ClinVar aggregate classification (germline): Likely pathogenic. Review status: criteria provided, multiple submitters, no conflicts (2 of 4 stars). 2 submissions from 2 submitters: Likely pathogenic (2). Last evaluated 2025-11-18.

Conditions:
Complement component 3 deficiency. Identifiers: Orphanet 280133, MedGen C3151071, MONDO:0013417, OMIM 613779.

Allele frequency attached by ClinVar (database versions not stated): gnomAD exomes below 0.00001; TOPMed below 0.00001; ExAC 0.00001.
gnomAD v4.1: 5 of 1,612,264 alleles (0.00031%); highest among the groups gnomAD compares: Non-Finnish European, 0.00034%; no homozygotes.

Submissions (2):

Women's Health and Genetics/Laboratory Corporation of America, LabCorp
Classification: Likely pathogenic for Complement component 3 deficiency. Last evaluated: 2025-11-18. Review status: criteria provided, single submitter. Criteria: LabCorp Variant Classification Summary - May 2015. Collection method: clinical testing. Allele origin: germline.
Comment: Variant summary: C3 c.4030-2A>G is located in a canonical splice-site and is predicted to affect mRNA splicing resulting in a significantly altered protein due to either exon skipping, shortening, or inclusion of intronic material. Variants that disrupt the consensus splice site are a relatively common cause of aberrant splicing and loss of C3 function. Several computational tools predict a significant impact on normal splicing: Four predict the variant abolishes a 3' acceptor site. However, these predictions have yet to be confirmed by functional studies. The frequency data for this variant in gnomAD is considered unreliable, as metrics indicate poor data quality at this position. To our knowledge, no occurrence of c.4030-2A>G in individuals affected with C3-related conditions and no experimental evidence demonstrating its impact on protein function have been reported. ClinVar contains an entry for this variant (Variation ID: 2506048). Based on the evidence outlined above, the variant was classified as likely pathogenic.

Labcorp Genetics (formerly Invitae), Labcorp
Classification: Likely pathogenic. Last evaluated: 2024-12-27. Review status: criteria provided, single submitter. Criteria: Invitae Variant Classification Sherloc (09022015). Collection method: clinical testing. Allele origin: germline.
Comment: This sequence change affects an acceptor splice site in intron 31 of the C3 gene. It is expected to disrupt RNA splicing. Variants that disrupt the donor or acceptor splice site typically lead to a loss of protein function (PMID: 16199547), and loss-of-function variants in C3 are known to be pathogenic (PMID: 12462331, 14639503, 21501302). This variant is present in population databases (rs113782618, gnomAD 0.0009%). This variant has not been reported in the literature in individuals affected with C3-related conditions. ClinVar contains an entry for this variant (Variation ID: 2506048). Algorithms developed to predict the effect of sequence changes on RNA splicing suggest that this variant may disrupt the consensus splice site. In summary, the currently available evidence indicates that the variant is pathogenic, but additional data are needed to prove that conclusively. Therefore, this variant has been classified as Likely Pathogenic.

Literature cited by the submitters: PubMed 16199547 (cited by Labcorp Genetics (formerly Invitae), Labcorp); PubMed 12462331 (cited by Labcorp Genetics (formerly Invitae), Labcorp); PubMed 14639503 (cited by Labcorp Genetics (formerly Invitae), Labcorp); PubMed 21501302 (cited by Labcorp Genetics (formerly Invitae), Labcorp).

NM_000064.4(C3):c.4030-2A>G

Gene: C3 (complement C3; minus strand). Cytogenetic location: 19p13.3.
Variant type: single nucleotide variant.
Coding change: c.4030-2A>G on transcript NM_000064.4 (MANE Select); the canonical splice acceptor site of the intron before coding-DNA position 4030, A replaced by G.
Molecular consequence: splice acceptor variant.
Genome position (GRCh38, 1-based): chr19:6,684,652, T>C on the plus strand (A>G on the coding strand, the complement: C3 is on the minus strand). VCF-style: chr19-6684652-T-C. GRCh37 (hg19) VCF-style: chr19-6684663-T-C.
Identifiers: ClinVar variation 2506048 (VCV002506048.4), dbSNP rs113782618, ClinGen allele CA9128538.